The following is an entry in ClinVar:

NM_152383.5(DIS3L2):c.1888C>G (p.Leu630Val)

Gene: DIS3L2 (DIS3 like 3'-5' exoribonuclease 2; plus strand). Cytogenetic location: 2q37.1.
Variant type: single nucleotide variant.
Coding change: c.1888C>G on transcript NM_152383.5 (MANE Select); coding-DNA position 1888, C replaced by G.
Protein change: p.Leu630Val; replaces leucine 630 with valine.
Molecular consequence: missense variant. On other transcripts: non-coding transcript variant (2), intron variant (1).
Genome position (GRCh38, 1-based): chr2:232,329,961, C>G. VCF-style: chr2-232329961-C-G. GRCh37 (hg19) VCF-style: chr2-233194671-C-G.
Other names: c.1582-13384C>G (NM_001257281.2); short protein forms L630V.
Identifiers: ClinVar variation 846085 (VCV000846085.9), dbSNP rs1695687832, ClinGen allele CA350976237.

ClinVar aggregate classification (germline): Uncertain significance (1 of 4 stars; one submission).

Conditions:
Perlman syndrome (PRLMNS). Identifiers: Orphanet 2849, MedGen C0796113, MONDO:0009965, OMIM 267000.

Allele frequency attached by ClinVar (database versions not stated): gnomAD exomes below 0.00001; TOPMed below 0.00001.
gnomAD v4.1: 3 of 1,612,870 alleles (0.00019%); highest among the groups gnomAD compares: African/African-American, 0.0027%; no homozygotes.

Submission:

Labcorp Genetics (formerly Invitae), Labcorp
Classification: Uncertain significance for Perlman syndrome. Last evaluated: 2024-05-21. Review status: criteria provided, single submitter. Criteria: Invitae Variant Classification Sherloc (09022015). Collection method: clinical testing. Allele origin: germline.
Comment: This sequence change replaces leucine, which is neutral and non-polar, with valine, which is neutral and non-polar, at codon 630 of the DIS3L2 protein (p.Leu630Val). This variant is not present in population databases (gnomAD no frequency). This variant has not been reported in the literature in individuals affected with DIS3L2-related conditions. ClinVar contains an entry for this variant (Variation ID: 846085). Advanced modeling of protein sequence and biophysical properties (such as structural, functional, and spatial information, amino acid conservation, physicochemical variation, residue mobility, and thermodynamic stability) performed at Invitae indicates that this missense variant is not expected to disrupt DIS3L2 protein function with a negative predictive value of 80%. In summary, the available evidence is currently insufficient to determine the role of this variant in disease. Therefore, it has been classified as a Variant of Uncertain Significance.